The following is an entry in ClinVar:

ClinVar aggregate classification (germline): Pathogenic (1 of 4 stars; one submission).

Conditions:
Cohen syndrome (COH1). Also called: PEPPER SYNDROME; Cutis verticis gyrata, retinitis pigmentosa, and sensorineural deafness. Identifiers: Orphanet 193, MedGen C0265223, MONDO:0008999, OMIM 216550.

Submission:

Labcorp Genetics (formerly Invitae), Labcorp
Classification: Pathogenic for Cohen syndrome. Last evaluated: 2021-11-06. Review status: criteria provided, single submitter. Criteria: Invitae Variant Classification Sherloc (09022015). Collection method: clinical testing. Allele origin: germline.
Comment: For these reasons, this variant has been classified as Pathogenic. Algorithms developed to predict the effect of sequence changes on RNA splicing suggest that this variant may create or strengthen a splice site. This variant has not been reported in the literature in individuals affected with VPS13B-related conditions. This variant is not present in population databases (gnomAD no frequency). This sequence change creates a premature translational stop signal (p.Val2175Tyrfs*4) in the VPS13B gene. It is expected to result in an absent or disrupted protein product. Loss-of-function variants in VPS13B are known to be pathogenic (PMID: 15141358, 16648375, 20461111).

Literature cited by the submitters: PubMed 15141358; PubMed 16648375; PubMed 20461111.

NM_152564.5(VPS13B):c.6447del (p.Val2150fs)

Gene: VPS13B (vacuolar protein sorting 13 homolog B; plus strand). Cytogenetic location: 8q22.2.
Variant type: Deletion.
Coding change: c.6447del on transcript NM_152564.5 (MANE Select); coding-DNA position 6447, one base deleted (A; older notation c.6447delA).
Protein change: p.Val2150fs; shifts the reading frame from valine 2150.
Molecular consequence: frameshift variant.
Genome position (GRCh38, 1-based): chr8:99,699,925, A deleted; the last of 5 consecutive A bases (chr8:99,699,921-99,699,925); deleting any one gives the same sequence. VCF-style (leftmost placement, unchanged base first): chr8-99699920-CA-C. GRCh37 (hg19) VCF-style: chr8-100712148-CA-C.
Other names: c.6522del, p.Val2175fs (NM_017890.5); short protein forms V2150fs, V2175fs.
Identifiers: ClinVar variation 1441318 (VCV001441318.6), dbSNP rs2130181658, ClinGen allele CA2573143591.